The following is an entry in ClinVar:

NM_020831.6(MRTFA):c.2654C>G (p.Ser885Cys)

Gene: MRTFA (myocardin related transcription factor A; minus strand). Cytogenetic location: 22q13.1.
Variant type: single nucleotide variant.
Coding change: c.2654C>G on transcript NM_020831.6 (MANE Select); coding-DNA position 2654, C replaced by G.
Protein change: p.Ser885Cys; replaces serine 885 with cysteine.
Molecular consequence: missense variant. On other transcripts: synonymous variant (1).
Genome position (GRCh38, 1-based): chr22:40,411,832, G>C on the plus strand (C>G on the coding strand, the complement: MRTFA is on the minus strand). VCF-style: chr22-40411832-G-C. GRCh37 (hg19) VCF-style: chr22-40807836-G-C.
Other names: c.2354C>G, p.Ser785Cys (NM_001282660.2); c.2504C>G, p.Ser835Cys (NM_001282661.3); c.2664C>G, p.Val888= (NM_001282662.3); c.2459C>G, p.Ser820Cys (NM_001318139.2); short protein forms S785C, S820C, S835C, S885C.
Identifiers: ClinVar variation 1682934 (VCV001682934.8), dbSNP rs774803635, ClinGen allele CA411654002.

ClinVar aggregate classification (germline): Uncertain significance (1 of 4 stars; one submission).

Submission:

Labcorp Genetics (formerly Invitae), Labcorp
Classification: Uncertain significance. Last evaluated: 2022-02-08. Review status: criteria provided, single submitter. Criteria: Invitae Variant Classification Sherloc (09022015). Collection method: clinical testing. Allele origin: germline.
Comment: In summary, the available evidence is currently insufficient to determine the role of this variant in disease. Therefore, it has been classified as a Variant of Uncertain Significance. Algorithms developed to predict the effect of missense changes on protein structure and function are either unavailable or do not agree on the potential impact of this missense change (SIFT: "Tolerated"; PolyPhen-2: "Probably Damaging"; Align-GVGD: "Class C15"). This variant has not been reported in the literature in individuals affected with MKL1-related conditions. This variant is not present in population databases (gnomAD no frequency). This sequence change replaces serine, which is neutral and polar, with cysteine, which is neutral and slightly polar, at codon 785 of the MKL1 protein (p.Ser785Cys).